The following is an entry in ClinVar:

ClinVar aggregate classification (germline): Uncertain significance (1 of 4 stars; one submission).

Conditions:
Cardiovascular phenotype. Identifiers: MedGen CN230736.

Submission:

Ambry Genetics
Classification: Uncertain significance for Cardiovascular phenotype. Last evaluated: 2021-12-13. Review status: criteria provided, single submitter. Criteria: Ambry Variant Classification Scheme 2023. Collection method: clinical testing. Allele origin: germline.
Comment: The p.I399V variant (also known as c.1195A>G), located in coding exon 13 of the CACNA2D1 gene, results from an A to G substitution at nucleotide position 1195. The isoleucine at codon 399 is replaced by valine, an amino acid with highly similar properties. This amino acid position is conserved. In addition, this alteration is predicted to be tolerated by in silico analysis. Since supporting evidence is limited at this time, the clinical significance of this alteration remains unclear.

NM_000722.4(CACNA2D1):c.1195A>G (p.Ile399Val)

Genes: CACNA2D1-AS1 (CACNA2D1 antisense RNA 1; plus strand), CACNA2D1 (calcium voltage-gated channel auxiliary subunit alpha2delta 1; minus strand). Cytogenetic location: 7q21.11.
Variant type: single nucleotide variant.
Coding change: c.1195A>G on transcript NM_000722.4 (MANE Select); coding-DNA position 1195, A replaced by G.
Protein change: p.Ile399Val; replaces isoleucine 399 with valine.
Molecular consequence: missense variant.
Genome position (GRCh38, 1-based): chr7:82,014,428, T>C on the plus strand (A>G on the coding strand, the complement: CACNA2D1 is on the minus strand). VCF-style: chr7-82014428-T-C. GRCh37 (hg19) VCF-style: chr7-81643744-T-C.
Other names: c.1195A>G, p.Ile399Val (NM_001366867.1); short protein forms I399V.
Identifiers: ClinVar variation 1745800 (VCV001745800.2), dbSNP rs2485269878, ClinGen allele CA367878145.